The following is an entry in ClinVar:

ClinVar aggregate classification (germline): Uncertain significance (1 of 4 stars; one submission).

Conditions:
Inborn genetic diseases. Identifiers: MedGen C0950123, MeSH D030342.

Submission:

Ambry Genetics
Classification: Uncertain significance for Inborn genetic diseases. Last evaluated: 2025-02-28. Review status: criteria provided, single submitter. Criteria: Ambry Variant Classification Scheme 2023. Collection method: clinical testing. Allele origin: germline.
Comment: The p.D1272V variant (also known as c.3815A>T), located in coding exon 1 of the SAMD9 gene, results from an A to T substitution at nucleotide position 3815. The aspartic acid at codon 1272 is replaced by valine, an amino acid with highly dissimilar properties. This amino acid position is conserved. In addition, this alteration is predicted to be tolerated by in silico analysis. Based on the available evidence, the clinical significance of this variant remains unclear.

NM_017654.4(SAMD9):c.3815A>T (p.Asp1272Val)

Gene: SAMD9 (sterile alpha motif domain containing 9; minus strand). Cytogenetic location: 7q21.2.
Variant type: single nucleotide variant.
Coding change: c.3815A>T on transcript NM_017654.4 (MANE Select); coding-DNA position 3815, A replaced by T.
Protein change: p.Asp1272Val; replaces aspartic acid 1272 with valine.
Molecular consequence: missense variant.
Genome position (GRCh38, 1-based): chr7:93,102,283, T>A on the plus strand (A>T on the coding strand, the complement: SAMD9 is on the minus strand). VCF-style: chr7-93102283-T-A. GRCh37 (hg19) VCF-style: chr7-92731596-T-A.
Other names: c.3815A>T, p.Asp1272Val (NM_001193307.2); short protein forms D1272V.
Identifiers: ClinVar variation 3792134 (VCV003792134.1).